The following is an entry in ClinVar:

NM_000257.4(MYH7):c.4225G>A (p.Ala1409Thr)

Gene: MYH7 (myosin heavy chain 7; minus strand). Cytogenetic location: 14q11.2.
Variant type: single nucleotide variant.
Coding change: c.4225G>A on transcript NM_000257.4 (MANE Select); coding-DNA position 4225, G replaced by A.
Protein change: p.Ala1409Thr; replaces alanine 1409 with threonine.
Molecular consequence: missense variant.
Genome position (GRCh38, 1-based): chr14:23,417,631, C>T on the plus strand (G>A on the coding strand, the complement: MYH7 is on the minus strand). VCF-style: chr14-23417631-C-T. GRCh37 (hg19) VCF-style: chr14-23886840-C-T.
Other names: short protein forms A1409T.
Identifiers: ClinVar variation 958652 (VCV000958652.9), dbSNP rs1381835227, ClinGen allele CA389040438.
Genomic context (GRCh38, chr14:23,417,631, plus strand): 5'-TCAAGTCCTCGATCTCATTCTGTAGCCGGTGCTTGGTCTTCTCCAGCGAGGAGCACTTGG[C>T]ATTAACAGCCTCCACGGCCTCCTCAGCTTCCTGCAGCCGCTGGGCCAGCTTCTTCCTGCC-3'
Protein context (NP_000248.2, residues 1399-1419): EAEEAVEAVN[Ala1409Thr]KCSSLEKTKH

ClinVar aggregate classification (germline): Uncertain significance (1 of 4 stars; one submission).

Conditions:
Hypertrophic cardiomyopathy. Also called: HYPERTROPHIC MYOCARDIOPATHY. Identifiers: Orphanet 217569, MedGen C0007194, MeSH D002312, MONDO:0005045, HP:0001639.

Allele frequency attached by ClinVar (database versions not stated): gnomAD exomes below 0.00001; TOPMed 0.00001.
gnomAD v4.1: 1 of 1,613,028 alleles (0.000062%); no homozygotes.

Submission:

Labcorp Genetics (formerly Invitae), Labcorp
Classification: Uncertain significance for Hypertrophic cardiomyopathy. Last evaluated: 2019-10-25. Review status: criteria provided, single submitter. Criteria: Invitae Variant Classification Sherloc (09022015). Collection method: clinical testing. Allele origin: germline.
Comment: In summary, the available evidence is currently insufficient to determine the role of this variant in disease. Therefore, it has been classified as a Variant of Uncertain Significance. Algorithms developed to predict the effect of missense changes on protein structure and function are either unavailable or do not agree on the potential impact of this missense change (SIFT: "Deleterious"; PolyPhen-2: "Possibly Damaging"; Align-GVGD: "Class C0"). This variant has not been reported in the literature in individuals with MYH7-related conditions. This variant is not present in population databases (ExAC no frequency). This sequence change replaces alanine with threonine at codon 1409 of the MYH7 protein (p.Ala1409Thr). The alanine residue is highly conserved and there is a small physicochemical difference between alanine and threonine.